The following is an entry in ClinVar:

NM_002242.4(KCNJ13):c.133T>G (p.Trp45Gly)

Genes: GIGYF2 (GRB10 interacting GYF protein 2; plus strand), KCNJ13 (potassium inwardly rectifying channel subfamily J member 13; minus strand). Cytogenetic location: 2q37.1.
Variant type: single nucleotide variant.
Coding change: c.133T>G on transcript NM_002242.4 (MANE Select); coding-DNA position 133, T replaced by G.
Protein change: p.Trp45Gly; replaces tryptophan 45 with glycine.
Molecular consequence: missense variant. On other transcripts: intron variant (5).
Genome position (GRCh38, 1-based): chr2:232,771,230, A>C on the plus strand (T>G on the coding strand, the complement: KCNJ13 is on the minus strand). VCF-style: chr2-232771230-A-C. GRCh37 (hg19) VCF-style: chr2-233635940-A-C.
Other names: c.133T>G, p.Trp45Gly (NM_001172416.1); c.532+9794A>C (NM_001103146.3, NM_015575.4, NM_001103148.2); c.533-5182A>C (NM_001103147.2); c.-23-85T>G (NM_001172417.1); short protein forms W45G.
Identifiers: ClinVar variation 2015190 (VCV002015190.4), dbSNP rs2106339678, ClinGen allele CA351014151.

ClinVar aggregate classification (germline): Uncertain significance (1 of 4 stars; one submission).

Submission:

Labcorp Genetics (formerly Invitae), Labcorp
Classification: Uncertain significance. Last evaluated: 2023-06-25. Review status: criteria provided, single submitter. Criteria: Invitae Variant Classification Sherloc (09022015). Collection method: clinical testing. Allele origin: germline.
Comment: This variant is not present in population databases (gnomAD no frequency). This sequence change replaces tryptophan, which is neutral and slightly polar, with glycine, which is neutral and non-polar, at codon 45 of the KCNJ13 protein (p.Trp45Gly). This variant has not been reported in the literature in individuals affected with KCNJ13-related conditions. In summary, the available evidence is currently insufficient to determine the role of this variant in disease. Therefore, it has been classified as a Variant of Uncertain Significance. Advanced modeling of protein sequence and biophysical properties (such as structural, functional, and spatial information, amino acid conservation, physicochemical variation, residue mobility, and thermodynamic stability) performed at Invitae indicates that this missense variant is not expected to disrupt KCNJ13 protein function. ClinVar contains an entry for this variant (Variation ID: 2015190).